The following is an entry in ClinVar:

NM_000260.4(MYO7A):c.4271C>G (p.Pro1424Arg)

Gene: MYO7A (myosin VIIA; plus strand). Cytogenetic location: 11q13.5.
Variant type: single nucleotide variant.
Coding change: c.4271C>G on transcript NM_000260.4 (MANE Select); coding-DNA position 4271, C replaced by G.
Protein change: p.Pro1424Arg; replaces proline 1424 with arginine.
Molecular consequence: missense variant.
Genome position (GRCh38, 1-based): chr11:77,194,472, C>G. VCF-style: chr11-77194472-C-G. GRCh37 (hg19) VCF-style: chr11-76905517-C-G.
Other names: c.4271C>G, p.Pro1424Arg (NM_001127180.2); c.4238C>G, p.Pro1413Arg (NM_001369365.1); short protein forms P1413R, P1424R.
Identifiers: ClinVar variation 971503 (VCV000971503.12), dbSNP rs1344461872, ClinGen allele CA381949313.

ClinVar aggregate classification (germline): Uncertain significance. Review status: criteria provided, multiple submitters, no conflicts (2 of 4 stars). 3 submissions from 3 submitters: Uncertain significance (2). 1 of the submissions does not count toward it. Last evaluated 2023-01-03.

Conditions:
Usher syndrome type 1B (USH1B). Also called: Usher syndrome type IB. Identifiers: MedGen C1848638, MONDO:0700087.

Submissions (3):

Blueprint Genetics
Classification: Uncertain significance. Last evaluated: 2023-01-03. Review status: criteria provided, single submitter. Criteria: ACMG Guidelines, 2015. Collection method: clinical testing. Allele origin: germline.

Labcorp Genetics (formerly Invitae), Labcorp
Classification: Uncertain significance. Last evaluated: 2022-02-10. Review status: criteria provided, single submitter. Criteria: Invitae Variant Classification Sherloc (09022015). Collection method: clinical testing. Allele origin: germline.
Comment: This sequence change replaces proline, which is neutral and non-polar, with arginine, which is basic and polar, at codon 1424 of the MYO7A protein (p.Pro1424Arg). ClinVar contains an entry for this variant (Variation ID: 971503). In summary, the available evidence is currently insufficient to determine the role of this variant in disease. Therefore, it has been classified as a Variant of Uncertain Significance. Advanced modeling of protein sequence and biophysical properties (such as structural, functional, and spatial information, amino acid conservation, physicochemical variation, residue mobility, and thermodynamic stability) performed at Invitae indicates that this missense variant is not expected to disrupt MYO7A protein function. This variant has not been reported in the literature in individuals affected with MYO7A-related conditions. This variant is not present in population databases (gnomAD no frequency).

Natera, Inc.
Classification: Uncertain significance for Usher syndrome type 1B. Last evaluated: 2025-04-10. Review status: no assertion criteria provided. Collection method: clinical testing. Allele origin: germline. Not counted in ClinVar's aggregate classification.